The following is an entry in ClinVar:

ClinVar aggregate classification (germline): Uncertain significance. Review status: criteria provided, multiple submitters, no conflicts (2 of 4 stars). 2 submissions from 2 submitters: Uncertain significance (2). Last evaluated 2022-02-22.

Conditions:
Autosomal dominant nonsyndromic hearing loss 13. Identifiers: Orphanet 90635, MedGen C1866095, MONDO:0011159, OMIM 601868.
Otospondylomegaepiphyseal dysplasia, autosomal dominant (OSMEDA). Also called: Stickler syndrome, type 3; COL11A2-Related Stickler Syndrome; Pierre Robin syndrome with fetal chondrodysplasia. Identifiers: Orphanet 166100, Orphanet 3450, MedGen C1848488, MONDO:0008490, OMIM 184840.
Fibrochondrogenesis 2 (FBCG2). Identifiers: Orphanet 2021, MedGen C3281128, MONDO:0013795, OMIM 614524.
Otospondylomegaepiphyseal dysplasia, autosomal recessive (OSMEDB). Also called: CHONDRODYSTROPHY WITH SENSORINEURAL DEAFNESS; Insley-Astley syndrome. Identifiers: Orphanet 1427, MedGen CN034493, MONDO:0044206, OMIM 215150.
Autosomal recessive nonsyndromic hearing loss 53. Identifiers: Orphanet 90636, MedGen C1864746, MONDO:0012333, OMIM 609706.

Allele frequency attached by ClinVar (database versions not stated): gnomAD exomes 0.00001.
gnomAD v4.1: 5 of 1,614,176 alleles (0.00031%); highest among the groups gnomAD compares: Non-Finnish European, 0.00042%; no homozygotes.

Submissions (2):

Department of Pathology and Laboratory Medicine, Sinai Health System
Classification: Uncertain significance for Otospondylomegaepiphyseal dysplasia, autosomal dominant; Otospondylomegaepiphyseal dysplasia, autosomal recessive; Autosomal dominant nonsyndromic hearing loss 13; Autosomal recessive nonsyndromic hearing loss 53; Fibrochondrogenesis 2. Last evaluated: 2022-02-22. Review status: criteria provided, single submitter. Criteria: ACMG Guidelines, 2015. Collection method: research. Allele origin: germline.

Labcorp Genetics (formerly Invitae), Labcorp
Classification: Uncertain significance. Last evaluated: 2022-01-20. Review status: criteria provided, single submitter. Criteria: Invitae Variant Classification Sherloc (09022015). Collection method: clinical testing. Allele origin: germline.
Comment: This sequence change falls in intron 3 of the COL11A2 gene. It does not directly change the encoded amino acid sequence of the COL11A2 protein. It affects a nucleotide within the consensus splice site. This variant is present in population databases (no rsID available, gnomAD 0.002%). This variant has not been reported in the literature in individuals affected with COL11A2-related conditions. Variants that disrupt the consensus splice site are a relatively common cause of aberrant splicing (PMID: 17576681, 9536098). Algorithms developed to predict the effect of sequence changes on RNA splicing suggest that this variant may disrupt the consensus splice site. In summary, the available evidence is currently insufficient to determine the role of this variant in disease. Therefore, it has been classified as a Variant of Uncertain Significance.

Literature cited by the submitters: PubMed 17576681 (cited by Labcorp Genetics (formerly Invitae), Labcorp); PubMed 9536098 (cited by Labcorp Genetics (formerly Invitae), Labcorp).

NM_080680.3(COL11A2):c.443+4A>C

Gene: COL11A2 (collagen type XI alpha 2 chain; minus strand). Cytogenetic location: 6p21.32.
Variant type: single nucleotide variant.
Coding change: c.443+4A>C on transcript NM_080680.3 (MANE Select); 4 bases into the intron after coding-DNA position 443, A replaced by C.
Molecular consequence: intron variant.
Genome position (GRCh38, 1-based): chr6:33,188,974, T>G on the plus strand (A>C on the coding strand, the complement: COL11A2 is on the minus strand). VCF-style: chr6-33188974-T-G. GRCh37 (hg19) VCF-style: chr6-33156751-T-G.
Other names: c.443+4A>C (NM_080679.3, NM_080681.3, NM_001163771.2).
Identifiers: ClinVar variation 1488180 (VCV001488180.4), dbSNP rs1189655931, ClinGen allele CA566699245.
Genomic context (GRCh38, chr6:33,188,974, plus strand): 5'-GGGTTTGGGGGCACTTCCTCCTGAAAGTGTGGGCCAGGCAGACCAGAGGAGCAAACAAAC[T>G]TACTTGCCATCTGCTAGGCTGAGGCCTCGGAAGACTGGCTGAGAGGGAGGTTGAGGCCGC-3'